The following is an entry in ClinVar:

NM_022552.5(DNMT3A):c.475G>A (p.Glu159Lys)

Genes: DNMT3A (DNA methyltransferase 3 alpha; minus strand), LOC129933290 (ATAC-STARR-seq lymphoblastoid active region 15445; plus strand). Cytogenetic location: 2p23.3.
Variant type: single nucleotide variant.
Coding change: c.475G>A on transcript NM_022552.5 (MANE Select); coding-DNA position 475, G replaced by A.
Protein change: p.Glu159Lys; replaces glutamic acid 159 with lysine.
Molecular consequence: missense variant. On other transcripts: non-coding transcript variant (1).
Genome position (GRCh38, 1-based): chr2:25,275,517, C>T on the plus strand (G>A on the coding strand, the complement: DNMT3A is on the minus strand). VCF-style: chr2-25275517-C-T. GRCh37 (hg19) VCF-style: chr2-25498386-C-T.
Other names: c.475G>A, p.Glu159Lys (NM_175629.2); short protein forms E159K.
Identifiers: ClinVar variation 2889294 (VCV002889294.3), dbSNP rs1274769751, ClinGen allele CA346083233.

ClinVar aggregate classification (germline): Uncertain significance (1 of 4 stars; one submission).

Conditions:
Tatton-Brown-Rahman overgrowth syndrome. Also called: Tatton-Brown-Rahman syndrome; Tall stature-intellectual disability-facial dysmorphism syndrome. Identifiers: Orphanet 404443, MedGen C4014545, MONDO:0014382, OMIM 615879.

Allele frequency attached by ClinVar (database versions not stated): gnomAD exomes below 0.00001; TOPMed 0.00003.
gnomAD v4.1: 6 of 1,583,722 alleles (0.00038%); highest among the groups gnomAD compares: Non-Finnish European, 0.00051%; no homozygotes.

Submission:

Labcorp Genetics (formerly Invitae), Labcorp
Classification: Uncertain significance for Tatton-Brown-Rahman overgrowth syndrome. Last evaluated: 2025-10-26. Review status: criteria provided, single submitter. Criteria: Invitae Variant Classification Sherloc (09022015). Collection method: clinical testing. Allele origin: germline.
Comment: This sequence change replaces glutamic acid, which is acidic and polar, with lysine, which is basic and polar, at codon 159 of the DNMT3A protein (p.Glu159Lys). This variant is not present in population databases (gnomAD no frequency). This variant has not been reported in the literature in individuals affected with DNMT3A-related conditions. ClinVar contains an entry for this variant (Variation ID: 2889294). Invitae Evidence Modeling of protein sequence and biophysical properties (such as structural, functional, and spatial information, amino acid conservation, physicochemical variation, residue mobility, and thermodynamic stability) indicates that this missense variant is not expected to disrupt DNMT3A protein function with a negative predictive value of 95%. In summary, the available evidence is currently insufficient to determine the role of this variant in disease. Therefore, it has been classified as a Variant of Uncertain Significance.